The following is an entry in ClinVar:

ClinVar aggregate classification (germline): Conflicting classifications of pathogenicity. Review status: criteria provided, conflicting classifications (1 of 4 stars). 10 submissions from 10 submitters: Uncertain significance (1); Benign (6); Likely benign (1). 2 of the submissions do not count toward it. Last evaluated 2026-09-01.

Conditions:
Inborn genetic diseases. Identifiers: MedGen C0950123, MeSH D030342.
Dystonia 24 (DYT24). Also called: DYT-ANO3. Identifiers: Orphanet 420485, MedGen C3554374, MONDO:0014019, OMIM 615034.
Dystonic disorder. Also called: Dystonia. Identifiers: MedGen C0013421, MONDO:0003441, HP:0001332.

Allele frequency attached by ClinVar (database versions not stated): 1000 Genomes Project 30x 0.00109; 1000 Genomes Project 0.00140; TOPMed 0.00418; gnomAD 0.00457 and 0.00470; ExAC 0.00501; gnomAD exomes 0.00519 and 0.00769; ESP Exome Variant Server 0.00607.
gnomAD v4.1: 11,796 of 1,614,172 alleles (0.73%); highest among the groups gnomAD compares: Non-Finnish European, 0.88%; 62 homozygotes.

Submissions (10):

CeGaT Center for Human Genetics Tuebingen
Classification: Benign. Last evaluated: 2026-09-01. Review status: criteria provided, single submitter. Criteria: CeGaT Center For Human Genetics Tuebingen Variant Classification Criteria Version 2. Collection method: clinical testing. Allele origin: germline. Affected: yes. Observed: 24 variant alleles.
Comment: ANO3: BP4, BS1, BS2

Labcorp Genetics (formerly Invitae), Labcorp
Classification: Benign for Dystonic disorder. Last evaluated: 2026-02-02. Review status: criteria provided, single submitter. Criteria: Invitae Variant Classification Sherloc (09022015). Collection method: clinical testing. Allele origin: germline.

Genomic Medicine Center of Excellence, King Faisal Specialist Hospital and Research Centre
Classification: Likely benign. Last evaluated: 2025-08-18. Review status: criteria provided, single submitter. Criteria: ACMG Guidelines, 2015. Collection method: clinical testing. Allele origin: germline.

Ambry Genetics
Classification: Uncertain significance for Inborn genetic diseases. Last evaluated: 2025-06-30. Review status: criteria provided, single submitter. Criteria: Ambry Variant Classification Scheme 2023. Collection method: clinical testing. Allele origin: germline.

Mayo Clinic Laboratories, Mayo Clinic
Classification: Benign. Last evaluated: 2023-07-10. Review status: criteria provided, single submitter. Criteria: ACMG Guidelines, 2015. Collection method: clinical testing. Allele origin: germline. Observed: 3 variant alleles.
Comment: BS1, BS2, BP4

Genome-Nilou Lab
Classification: Benign for Dystonia 24. Last evaluated: 2021-12-05. Review status: criteria provided, single submitter. Criteria: ACMG Guidelines, 2015. Collection method: clinical testing. Allele origin: germline. Affected: no.

GeneDx
Classification: Benign. Last evaluated: 2019-07-05. Review status: criteria provided, single submitter. Criteria: GeneDx Variant Classification Process June 2021. Collection method: clinical testing. Allele origin: germline. Affected: yes.

Breakthrough Genomics
Classification: Benign. Review status: criteria provided, single submitter. Criteria: ACMG Guidelines, 2015. Collection method: not provided. Allele origin: germline. Inheritance: Autosomal dominant inheritance. Affected: yes.

Diagnostic Laboratory, Department of Genetics, University Medical Center Groningen
Classification: Benign. Review status: no assertion criteria provided. Collection method: clinical testing. Allele origin: germline. Affected: yes. Study: VKGL Data-share Consensus. Not counted in ClinVar's aggregate classification.

Laboratory of Diagnostic Genome Analysis, Leiden University Medical Center (LUMC)
Classification: Benign. Review status: no assertion criteria provided. Collection method: clinical testing. Allele origin: germline. Affected: yes. Study: VKGL Data-share Consensus. Not counted in ClinVar's aggregate classification.

NM_031418.4(ANO3):c.164C>T (p.Ser55Phe)

Gene: ANO3 (anoctamin 3; plus strand). Cytogenetic location: 11p14.2.
Variant type: single nucleotide variant.
Coding change: c.164C>T on transcript NM_031418.4 (MANE Select); coding-DNA position 164, C replaced by T.
Protein change: p.Ser55Phe; replaces serine 55 with phenylalanine.
Molecular consequence: missense variant.
Genome position (GRCh38, 1-based): chr11:26,442,035, C>T. VCF-style: chr11-26442035-C-T. GRCh37 (hg19) VCF-style: chr11-26463582-C-T.
Other names: p.Ser55Phe; c.347C>T, p.Ser116Phe (NM_001313726.2); short protein forms S116F, S55F.
Identifiers: ClinVar variation 412872 (VCV000412872.52), dbSNP rs61746297, ClinGen allele CA5925470.